The following is an entry in ClinVar:

NM_004004.6(GJB2):c.327_328delinsA (p.Glu110fs)

Gene: GJB2 (gap junction protein beta 2; minus strand). Cytogenetic location: 13q12.11.
Variant type: Indel.
Coding change: c.327_328delinsA on transcript NM_004004.6 (MANE Select); coding-DNA positions 327 to 328, GG replaced by A.
Protein change: p.Glu110fs; shifts the reading frame from glutamic acid 110.
Molecular consequence: frameshift variant.
Genome position (GRCh38, 1-based): chr13:20,189,254-20,189,255, CC replaced by T on the plus strand (GG replaced by A on the coding strand, the reverse complement: GJB2 is on the minus strand). VCF-style: chr13-20189254-CC-T. GRCh37 (hg19) VCF-style: chr13-20763393-CC-T.
Other names: short protein forms E110fs.
Identifiers: ClinVar variation 556762 (VCV000556762.3), dbSNP rs1555341931, ClinGen allele CA658823452.

ClinVar aggregate classification (germline): Pathogenic. Review status: criteria provided, single submitter (1 of 4 stars). 2 submissions from 2 submitters: Pathogenic (1). 1 of the submissions does not count toward it. Last evaluated 2023-07-17.

Conditions:
Autosomal recessive nonsyndromic hearing loss 1A (DFNB1A). Also called: Nonsyndromic Hearing Loss and Deafness, DFNB1; Deafness, autosomal recessive 1A; GJB6-Related DFNB 1 Nonsyndromic Hearing Loss and Deafness; GJB2-Related Autosomal Recessive Nonsyndromic Hearing Loss; Connexin 26 deafness; Deafness nonsyndromic, Connexin 26 linked. Identifiers: Orphanet 90636, MedGen C2673759, MONDO:0009076, OMIM 220290.

Submissions (2):

Victorian Clinical Genetics Services, Murdoch Childrens Research Institute
Classification: Pathogenic for Autosomal recessive nonsyndromic hearing loss 1A. Last evaluated: 2023-07-17. Review status: criteria provided, single submitter. Criteria: ACMG Guidelines, 2015. Collection method: clinical testing. Allele origin: germline. Inheritance: Autosomal recessive inheritance. Affected: yes.
Comment: Based on the classification scheme VCGS_Germline_v1.3.4, this variant is classified as Pathogenic. Following criteria are met: 0102 - Loss of function is a known mechanism of disease in this gene and is associated with both deafness and skin conditions (OMIM). Dominant negative is also a suggested mechanism (PMID: 28428247). (I) 0108 - This gene is associated with both recessive and dominant disease. The autosomal dominant diseases are commonly associated with pathogenic missense variants. The autosomal recessive disease is associated with bi-allelic loss-of-function variants and includes missense and protein truncating variants (NIH Genetics Home Reference, PMID: 12792423). (I) 0112 - The condition associated with this gene has incomplete penetrance (PMID:31160754). (I) 0204 - Variant is predicted to result in a truncated protein (premature termination codon is NOT located at least 54 nucleotides upstream of the final exon-exon junction) with at least 1/3 of the protein sequence affected. (SP) 0251 - This variant is heterozygous. (I) 0115 - Variants in this gene are known to have variable expressivity. Severity can range from mild to profound with intrafamilial variability also commonly seen. Commonly, truncating variants are associated to a more severe hearing loss (PMID: 20301449). (I) 0301 - Variant is absent from gnomAD (both v2 and v3). (SP) 0701 - Other protein truncating variants located downstream, therefore comparable to the one identified in this case, have very strong previous evidence for pathogenicity (DECIPHER). (SP) 0803 - This variant has limited previous evidence of pathogenicity in individuals with hearing impairment (ClinVar, PMID: 24224790). (SP) 1208 - Inheritance information for this variant is not currently available in this individual. (I) Legend: (SP) - Supporting pathogenic, (I) - Information, (SB) - Supporting benign

Counsyl
Classification: Pathogenic for Autosomal recessive nonsyndromic hearing loss 1A. Last evaluated: 2018-02-23. Review status: no assertion criteria provided. Collection method: clinical testing. Allele origin: unknown. Not counted in ClinVar's aggregate classification.

Literature cited by the submitters: PubMed 12792423 (cited by Victorian Clinical Genetics Services, Murdoch Childrens Research Institute); PubMed 24224790 (cited by Victorian Clinical Genetics Services, Murdoch Childrens Research Institute and Counsyl); PubMed 28428247 (cited by Victorian Clinical Genetics Services, Murdoch Childrens Research Institute); PubMed 31160754 (cited by Victorian Clinical Genetics Services, Murdoch Childrens Research Institute); PubMed 20301449 (cited by Victorian Clinical Genetics Services, Murdoch Childrens Research Institute); PubMed 25012701 (cited by Counsyl).